The following is an entry in ClinVar:

NM_001376.5(DYNC1H1):c.8833A>G (p.Thr2945Ala)

Gene: DYNC1H1 (dynein cytoplasmic 1 heavy chain 1; plus strand). Cytogenetic location: 14q32.31.
Variant type: single nucleotide variant.
Coding change: c.8833A>G on transcript NM_001376.5 (MANE Select); coding-DNA position 8833, A replaced by G.
Protein change: p.Thr2945Ala; replaces threonine 2945 with alanine.
Molecular consequence: missense variant.
Genome position (GRCh38, 1-based): chr14:102,027,235, A>G. VCF-style: chr14-102027235-A-G. GRCh37 (hg19) VCF-style: chr14-102493572-A-G.
Other names: short protein forms T2945A.
Identifiers: ClinVar variation 4699147 (VCV004699147.1).
Genomic context (GRCh38, chr14:102,027,235, plus strand): 5'-ATATTCCGTCAACCTCAAGGCCACTTGCTTCTGATTGGTGTTAGTGGAGCAGGAAAAACT[A>G]CCCTGTCTCGTTTCGTCGCCTGGATGAACGGTTTGAGTGTGTACCAGATTAAGGTGCGTC-3'
Protein context (NP_001367.2, residues 2935-2955): LIGVSGAGKT[Thr2945Ala]LSRFVAWMNG

ClinVar aggregate classification (germline): Uncertain significance (1 of 4 stars; one submission).

Conditions:
Charcot-Marie-Tooth disease axonal type 2O. Also called: CHARCOT-MARIE-TOOTH NEUROPATHY, AXONAL, TYPE 2O; CHARCOT-MARIE-TOOTH DISEASE, AXONAL, AUTOSOMAL DOMINANT, TYPE 2O; Charcot-Marie-Tooth Neuropathy Type 2O; Charcot-Marie-Tooth disease, axonal, type 20. Identifiers: Orphanet 284232, MedGen C3280220, MONDO:0013644, OMIM 614228.

gnomAD v4.1: 1 of 1,613,908 alleles (0.000062%); highest among the groups gnomAD compares: Non-Finnish European, 0.000085%; no homozygotes.

Submission:

Labcorp Genetics (formerly Invitae), Labcorp
Classification: Uncertain significance for Charcot-Marie-Tooth disease axonal type 2O. Last evaluated: 2025-11-19. Review status: criteria provided, single submitter. Criteria: Invitae Variant Classification Sherloc (09022015). Collection method: clinical testing. Allele origin: germline.
Comment: This sequence change replaces threonine, which is neutral and polar, with alanine, which is neutral and non-polar, at codon 2945 of the DYNC1H1 protein (p.Thr2945Ala). This variant is not present in population databases (gnomAD no frequency). This variant has not been reported in the literature in individuals affected with DYNC1H1-related conditions. Invitae Evidence Modeling of protein sequence and biophysical properties (such as structural, functional, and spatial information, amino acid conservation, physicochemical variation, residue mobility, and thermodynamic stability) has been performed for this missense variant. However, the output from this modeling did not meet the statistical confidence thresholds required to predict the impact of this variant on DYNC1H1 protein function. In summary, the available evidence is currently insufficient to determine the role of this variant in disease. Therefore, it has been classified as a Variant of Uncertain Significance.